The following is an entry in ClinVar:

NM_198994.3(TGM6):c.691C>T (p.Arg231Ter)

Gene: TGM6 (transglutaminase 6; plus strand). Cytogenetic location: 20p13.
Variant type: single nucleotide variant.
Coding change: c.691C>T on transcript NM_198994.3 (MANE Select); coding-DNA position 691, C replaced by T.
Protein change: p.Arg231Ter; replaces arginine 231 with a stop codon.
Molecular consequence: nonsense.
Genome position (GRCh38, 1-based): chr20:2,399,579, C>T. VCF-style: chr20-2399579-C-T. GRCh37 (hg19) VCF-style: chr20-2380225-C-T.
Other names: c.691C>T, p.Arg231Ter (NM_001254734.2); short protein forms R231*.
Identifiers: ClinVar variation 437001 (VCV000437001.73), dbSNP rs201338900, ClinGen allele CA9731788.
Genomic context (GRCh38, chr20:2,399,579, plus strand): 5'-GAAGCCCTGCCTGGTTGTGGACCCGTGCCCTCCTCTGCCCAGGTGAACAGCAACAACGAC[C>T]GAGGTGTGGTGCAAGGACAGTGGCAGGGCAAGTACGGCGGCGGCACCAGCCCGCTGCACT-3'

ClinVar aggregate classification (germline): Conflicting classifications of pathogenicity. Review status: criteria provided, conflicting classifications (1 of 4 stars). 6 submissions from 6 submitters: Uncertain significance (3); Likely benign (1). 2 of the submissions do not count toward it. Last evaluated 2025-11-10.

Conditions:
Polyneuropathy. Identifiers: MedGen C0152025, MONDO:0001824, HP:0001271.
Spinocerebellar ataxia type 35. Identifiers: Orphanet 276193, MedGen C3888031, MONDO:0013485, OMIM 613908.

Allele frequency attached by ClinVar (database versions not stated): gnomAD 0.00004; gnomAD exomes 0.00007; ExAC 0.00008; TOPMed 0.00011.
gnomAD v4.1: 238 of 1,612,946 alleles (0.015%); highest among the groups gnomAD compares: Non-Finnish European, 0.018%; no homozygotes.

Submissions (6):

Athena Diagnostics
Classification: Likely benign. Last evaluated: 2025-11-10. Review status: criteria provided, single submitter. Criteria: Athena Diagnostics Criteria. Collection method: clinical testing. Allele origin: unknown.
Comment: The nature of this variant on its own does not support pathogenicity. The frequency of this variant in the general population is higher than would generally be expected for pathogenic variants in this gene.

Labcorp Genetics (formerly Invitae), Labcorp
Classification: Uncertain significance. Last evaluated: 2023-02-24. Review status: criteria provided, single submitter. Criteria: Invitae Variant Classification Sherloc (09022015). Collection method: clinical testing. Allele origin: germline.
Comment: In summary, the available evidence is currently insufficient to determine the role of this variant in disease. Therefore, it has been classified as a Variant of Uncertain Significance. ClinVar contains an entry for this variant (Variation ID: 437001). This premature translational stop signal has been observed in individual(s) with cerebellar ataxia (PMID: 35401678). This variant is present in population databases (rs201338900, gnomAD 0.01%). This sequence change creates a premature translational stop signal (p.Arg231*) in the TGM6 gene. It is expected to result in an absent or disrupted protein product. However, the current clinical and genetic evidence is not sufficient to establish whether loss-of-function variants in TGM6 cause disease.

CeGaT Center for Human Genetics Tuebingen
Classification: Uncertain significance. Last evaluated: 2019-06-01. Review status: criteria provided, single submitter. Criteria: CeGaT Center For Human Genetics Tuebingen Variant Classification Criteria Version 2. Collection method: clinical testing. Allele origin: germline. Affected: yes. Observed: 1 variant allele.

Genetic Services Laboratory, University of Chicago
Classification: Uncertain significance. Last evaluated: 2016-11-15. Review status: criteria provided, single submitter. Criteria: ACMG Guidelines, 2015. Collection method: clinical testing. Allele origin: germline. Affected: no.

O&I group, Department of Genetics, University Medical Center of Groningen
Classification: Pathogenic for Spinocerebellar ataxia type 35. Last evaluated: 2021-07-22. Review status: no assertion criteria provided. Collection method: research. Allele origin: de novo. Affected: yes. Not counted in ClinVar's aggregate classification.

Institute of Human Genetics, University of Wuerzburg
Classification: Uncertain significance for Polyneuropathy. Review status: no assertion criteria provided. Collection method: clinical testing. Allele origin: unknown. Not counted in ClinVar's aggregate classification.

Literature cited by the submitters: PubMed 35401678 (cited by Athena Diagnostics and Labcorp Genetics (formerly Invitae), Labcorp); PubMed 31345219 (cited by Athena Diagnostics); PubMed 31862442 (cited by Athena Diagnostics); PubMed 26046366 (cited by Athena Diagnostics); DOI 10.3389/fgene.2022.782685 (cited by O&I group, Department of Genetics, University Medical Center of Groningen).